The following is an entry in ClinVar:

NM_030653.4(DDX11):c.2122C>T (p.Pro708Ser)

Gene: DDX11 (DEAD/H-box helicase 11; plus strand). Cytogenetic location: 12p11.21.
Variant type: single nucleotide variant.
Coding change: c.2122C>T on transcript NM_030653.4 (MANE Select); coding-DNA position 2122, C replaced by T.
Protein change: p.Pro708Ser; replaces proline 708 with serine.
Molecular consequence: missense variant. On other transcripts: intron variant (1).
Genome position (GRCh38, 1-based): chr12:31,101,902, C>T. VCF-style: chr12-31101902-C-T. GRCh37 (hg19) VCF-style: chr12-31254836-C-T.
Other names: c.2122C>T, p.Pro708Ser (NM_001257144.2, NM_001413692.1, NM_152438.2 and 4 more transcripts); c.2044C>T, p.Pro682Ser (NM_001257145.2, NM_001413697.1, NM_001413698.1 and 1 more transcripts); c.1261C>T, p.Pro421Ser (NM_001413704.1, NM_001413705.1); c.1156C>T, p.Pro386Ser (NM_001413706.1); c.2053-341C>T (NM_004399.3); c.2035C>T, p.Pro679Ser (NM_001413700.1); c.1594C>T, p.Pro532Ser (NM_001413702.1, NM_001413703.1); short protein forms P708S, P532S, P682S, P386S, P421S, P679S.
Identifiers: ClinVar variation 2375738 (VCV002375738.3), dbSNP rs558030321, ClinGen allele CA6501661.

ClinVar aggregate classification (germline): Uncertain significance. Review status: criteria provided, multiple submitters, no conflicts (2 of 4 stars). 2 submissions from 2 submitters: Uncertain significance (2). Last evaluated 2026-02-24.

Conditions:
Inborn genetic diseases. Identifiers: MedGen C0950123, MeSH D030342.

Allele frequency attached by ClinVar (database versions not stated): TOPMed below 0.00001; gnomAD 0.00002; gnomAD exomes 0.00003; ExAC 0.00005; 1000 Genomes Project 0.00020; 1000 Genomes Project 30x 0.00031.
gnomAD v4.1: 42 of 1,613,876 alleles (0.0026%); highest among the groups gnomAD compares: South Asian, 0.032%; 1 homozygote.

Submissions (2):

Women's Health and Genetics/Laboratory Corporation of America, LabCorp
Classification: Uncertain significance. Last evaluated: 2026-02-24. Review status: criteria provided, single submitter. Criteria: LabCorp Variant Classification Summary - May 2015. Collection method: clinical testing. Allele origin: germline.
Comment: Variant summary: DDX11 c.2122C>T (p.Pro708Ser) results in a non-conservative amino acid change in the encoded protein sequence. Algorithms developed to predict the effect of missense changes on protein structure and function all suggest that this variant is likely to be disruptive. The variant allele was found at a frequency of 4.4e-05 in 249188 control chromosomes. This frequency is not significantly higher than estimated for disease-causing variants in DDX11, allowing no conclusion about variant significance. To our knowledge, no occurrence of c.2122C>T in individuals affected with DDX11-related conditions and no experimental evidence demonstrating its impact on protein function have been reported. ClinVar contains an entry for this variant (Variation ID: 2375738). Based on the evidence outlined above, the variant was classified as uncertain significance.

Ambry Genetics
Classification: Uncertain significance for Inborn genetic diseases. Last evaluated: 2021-06-06. Review status: criteria provided, single submitter. Criteria: Ambry Variant Classification Scheme 2023. Collection method: clinical testing. Allele origin: germline.